The following is an entry in ClinVar:

ClinVar aggregate classification (germline): Uncertain significance (1 of 4 stars; one submission).

Conditions:
Fanconi anemia (FA). Also called: Fanconi's anemia. Identifiers: Orphanet 84, MedGen C0015625, MeSH D005199, MONDO:0019391.

Allele frequency attached by ClinVar (database versions not stated): gnomAD 0.00001.
gnomAD v4.1: 1 of 1,613,920 alleles (0.000062%); highest among the groups gnomAD compares: Admixed American, 0.0017%; no homozygotes.

Submission:

Labcorp Genetics (formerly Invitae), Labcorp
Classification: Uncertain significance for Fanconi anemia. Last evaluated: 2023-08-22. Review status: criteria provided, single submitter. Criteria: Invitae Variant Classification Sherloc (09022015). Collection method: clinical testing. Allele origin: germline.
Comment: In summary, the available evidence is currently insufficient to determine the role of this variant in disease. Therefore, it has been classified as a Variant of Uncertain Significance. An algorithm developed to predict the effect of missense changes on protein structure and function (PolyPhen-2) suggests that this variant is likely to be tolerated. This variant has not been reported in the literature in individuals affected with FANCI-related conditions. This variant is not present in population databases (gnomAD no frequency). This sequence change replaces aspartic acid, which is acidic and polar, with histidine, which is basic and polar, at codon 948 of the FANCI protein (p.Asp948His).

NM_001113378.2(FANCI):c.2842G>C (p.Asp948His)

Gene: FANCI (FA complementation group I; plus strand). Cytogenetic location: 15q26.1.
Variant type: single nucleotide variant.
Coding change: c.2842G>C on transcript NM_001113378.2 (MANE Select); coding-DNA position 2842, G replaced by C.
Protein change: p.Asp948His; replaces aspartic acid 948 with histidine.
Molecular consequence: missense variant.
Genome position (GRCh38, 1-based): chr15:89,300,338, G>C. VCF-style: chr15-89300338-G-C. GRCh37 (hg19) VCF-style: chr15-89843569-G-C.
Other names: c.2563G>C, p.Asp855His (NM_001376910.1); c.2842G>C, p.Asp948His (NM_001376911.1); c.2662G>C, p.Asp888His (NM_018193.3); short protein forms D948H, D855H, D888H.
Identifiers: ClinVar variation 2911595 (VCV002911595.3), dbSNP rs2054481814, ClinGen allele CA393737445.